The following is an entry in ClinVar:

NM_000054.7(AVPR2):c.359_426dup (p.Arg143delinsTrpTrpAlaCysMetProProProThrTer)

Gene: AVPR2 (arginine vasopressin receptor 2; plus strand). Cytogenetic location: Xq28.
Variant type: Duplication.
Coding change: c.359_426dup on transcript NM_000054.7 (MANE Select); coding-DNA positions 359 to 426, 68 bases duplicated.
Protein change: p.Arg143delinsTrpTrpAlaCysMetProProProThrTer.
Molecular consequence: nonsense.
Genome position (GRCh38, 1-based): chrX:153,905,865-153,905,932, 68 bases duplicated. GRCh37 (hg19): chrX:153,171,319-153,171,386.
Other names: c.359_426dup, p.Arg143delinsTrpTrpAlaCysMetProProProThrTer (NM_001146151.3); c.359_426dupTGGTGGGCATGTATGCCTCCTCCTACATGATCCTGGCCATGACGCTGGACCGCCACCGTGCCATCTGC (NM_000054.4).
Identifiers: ClinVar variation 451934 (VCV000451934.2), dbSNP rs1557100580, ClinGen allele CA658656861.

ClinVar aggregate classification (germline): Pathogenic (1 of 4 stars; one submission).

Submission:

GeneDx
Classification: Pathogenic. Last evaluated: 2017-09-05. Review status: criteria provided, single submitter. Criteria: GeneDx Variant Classification (06012015). Collection method: clinical testing. Allele origin: germline. Affected: yes.
Comment: The c.359_426dup68 variant in the AVPR2 gene has not been reported previously as a pathogenic variant nor as a benign variant, to our knowledge. The c.359_426dup68 variant causes a frameshift starting with codon Arginine 143, changes this amino acid to a Tryptophan residue, and creates a premature Stop codon at position 10 of the new reading frame, denoted p.R143WfsX10. This variant is predicted to cause loss of normal protein function either through protein truncation or nonsense-mediated mRNA decay. The c.359_426dup68 variant is not observed in large population cohorts (Lek et al., 2016; 1000 Genomes Consortium et al., 2015; Exome Variant Server). We interpret c.359_426dup68 as a pathogenic variant